The following is an entry in ClinVar:

ClinVar aggregate classification (germline): Uncertain significance (1 of 4 stars; one submission).

Conditions:
Familial cancer of breast. Also called: BREAST CANCER, FAMILIAL; hereditary breast carcinoma; Hereditary breast cancer. Identifiers: Orphanet 227535, MedGen C0346153, MONDO:0016419, OMIM 114480. Disease mechanism: loss of function.

Submission:

Labcorp Genetics (formerly Invitae), Labcorp
Classification: Uncertain significance for Familial cancer of breast. Last evaluated: 2022-11-28. Review status: criteria provided, single submitter. Criteria: Invitae Variant Classification Sherloc (09022015). Collection method: clinical testing. Allele origin: germline.
Comment: Algorithms developed to predict the effect of missense changes on protein structure and function (SIFT, PolyPhen-2, Align-GVGD) all suggest that this variant is likely to be disruptive. This sequence change replaces glutamic acid, which is acidic and polar, with valine, which is neutral and non-polar, at codon 64 of the CHEK2 protein (p.Glu64Val). This variant is not present in population databases (gnomAD no frequency). This variant has not been reported in the literature in individuals affected with CHEK2-related conditions. This variant disrupts the p.Glu64 amino acid residue in CHEK2. Other variant(s) that disrupt this residue have been determined to be pathogenic (PMID: 16835864, 22114986, 22419737, 26845104; Invitae). This suggests that this residue is clinically significant, and that variants that disrupt this residue are likely to be disease-causing. In summary, the available evidence is currently insufficient to determine the role of this variant in disease. Therefore, it has been classified as a Variant of Uncertain Significance.

Literature cited by the submitters: PubMed 16835864; PubMed 22114986; PubMed 22419737; PubMed 26845104.

NM_007194.4(CHEK2):c.191A>T (p.Glu64Val)

Gene: CHEK2 (checkpoint kinase 2; minus strand). Cytogenetic location: 22q12.1.
Variant type: single nucleotide variant.
Coding change: c.191A>T on transcript NM_007194.4 (MANE Select); coding-DNA position 191, A replaced by T.
Protein change: p.Glu64Val; replaces glutamic acid 64 with valine.
Molecular consequence: missense variant.
Genome position (GRCh38, 1-based): chr22:28,734,531, T>A on the plus strand (A>T on the coding strand, the complement: CHEK2 is on the minus strand). VCF-style: chr22-28734531-T-A. GRCh37 (hg19) VCF-style: chr22-29130519-T-A.
Other names: c.191A>T, p.Glu64Val (NM_001005735.3, NM_001349956.3, NM_145862.3); c.-587A>T (NM_001257387.3); short protein forms E64V.
Identifiers: ClinVar variation 2816970 (VCV002816970.3), dbSNP rs1601852334, ClinGen allele CA411090831.